The following is an entry in ClinVar:

ClinVar aggregate classification (germline): Pathogenic/Likely pathogenic. Review status: criteria provided, multiple submitters, no conflicts (2 of 4 stars). 2 submissions from 2 submitters: Pathogenic (1); Likely pathogenic (1). Last evaluated 2024-06-03.

Conditions:
Bilateral frontoparietal polymicrogyria. Also called: CORTICAL DYSPLASIA, COMPLEX, WITH OTHER BRAIN MALFORMATIONS 14A (BILATERAL FRONTOPARIETAL); CEREBELLAR ATAXIA WITH NEURONAL MIGRATION DEFECT. Identifiers: Orphanet 101070, MedGen C1847352, MONDO:0011738, OMIM 606854.

Allele frequency attached by ClinVar (database versions not stated): gnomAD exomes 0.00001 and below 0.00001; ExAC 0.00001.
gnomAD v4.1: 4 of 1,612,934 alleles (0.00025%); highest among the groups gnomAD compares: Non-Finnish European, 0.00025%; no homozygotes.

Submissions (2):

Natera, Inc.
Classification: Likely pathogenic for Bilateral frontoparietal polymicrogyria. Last evaluated: 2024-06-03. Review status: criteria provided, single submitter. Criteria: Natera Variant Classification Schema (03/2026). Collection method: clinical testing. Allele origin: germline.
Comment: The c.562C>T variant in ADGRG1 is a nonsense variant predicted to introduce a stop codon at amino acid 188. This variant is expected to result in nonsense mediated decay, truncation, or a dysfunctional protein product. This variant is rare in the general population with a frequency below the threshold expected for the associated phenotype(s). Given the available evidence, this variant is classified as Likely Pathogenic.

Labcorp Genetics (formerly Invitae), Labcorp
Classification: Pathogenic. Last evaluated: 2021-08-12. Review status: criteria provided, single submitter. Criteria: Invitae Variant Classification Sherloc (09022015). Collection method: clinical testing. Allele origin: germline.
Comment: This sequence change creates a premature translational stop signal (p.Gln188*) in the ADGRG1 gene. It is expected to result in an absent or disrupted protein product. Loss-of-function variants in ADGRG1 are known to be pathogenic (PMID: 15044805, 20929962). This variant is present in population databases (rs766533641, ExAC 0.002%). This variant has not been reported in the literature in individuals affected with ADGRG1-related conditions. For these reasons, this variant has been classified as Pathogenic.

Literature cited by the submitters: PubMed 15044805 (cited by Labcorp Genetics (formerly Invitae), Labcorp); PubMed 20929962 (cited by Labcorp Genetics (formerly Invitae), Labcorp).

NM_201525.4(ADGRG1):c.562C>T (p.Gln188Ter)

Gene: ADGRG1 (adhesion G protein-coupled receptor G1; plus strand). Cytogenetic location: 16q21.
Variant type: single nucleotide variant.
Coding change: c.562C>T on transcript NM_201525.4 (MANE Select); coding-DNA position 562, C replaced by T.
Protein change: p.Gln188Ter; replaces glutamine 188 with a stop codon.
Molecular consequence: nonsense. On other transcripts: intron variant (1).
Genome position (GRCh38, 1-based): chr16:57,653,277, C>T. VCF-style: chr16-57653277-C-T. GRCh37 (hg19) VCF-style: chr16-57687189-C-T.
Other names: c.562C>T, p.Gln188Ter (NM_001145770.3, NM_001145771.3, NM_001145772.3 and 16 more transcripts); c.577C>T, p.Gln193Ter (NM_001145773.3, NM_001370433.1); c.37C>T, p.Gln13Ter (NM_001290143.2, NM_001290144.2, NM_001370451.1 and 2 more transcripts); c.111-709C>T (NM_001290142.2); c.406C>T, p.Gln136Ter (NM_001370442.1); c.562C>T (NM_005682.6); short protein forms Q13*, Q188*, Q193*, Q136*.
Identifiers: ClinVar variation 1438127 (VCV001438127.7), dbSNP rs766533641, ClinGen allele CA8078421.